The following is an entry in ClinVar:

NM_004928.3(CFAP410):c.3G>A (p.Met1Ile)

Genes: CFAP410 (cilia and flagella associated protein 410; minus strand), LOC130066823 (ATAC-STARR-seq lymphoblastoid silent region 13383; plus strand). Cytogenetic location: 21q22.3.
Variant type: single nucleotide variant.
Coding change: c.3G>A on transcript NM_004928.3 (MANE Select); coding-DNA position 3, G replaced by A.
Protein change: p.Met1Ile; changes the start codon (methionine 1).
Molecular consequence: missense variant, initiator codon variant.
Genome position (GRCh38, 1-based): chr21:44,339,192, C>T on the plus strand (G>A on the coding strand, the complement: CFAP410 is on the minus strand). VCF-style: chr21-44339192-C-T. GRCh37 (hg19) VCF-style: chr21-45759075-C-T.
Other names: c.3G>A, p.Met1Ile (NM_001271440.2, NM_001271441.2); short protein forms M1I.
Identifiers: ClinVar variation 1041258 (VCV001041258.9), dbSNP rs2047821848, ClinGen allele CA410461541.

ClinVar aggregate classification (germline): Uncertain significance (1 of 4 stars; one submission).

Allele frequency attached by ClinVar (database versions not stated): gnomAD exomes below 0.00001.

Submission:

Labcorp Genetics (formerly Invitae), Labcorp
Classification: Uncertain significance. Last evaluated: 2020-02-15. Review status: criteria provided, single submitter. Criteria: Invitae Variant Classification Sherloc (09022015). Collection method: clinical testing. Allele origin: germline.
Comment: In summary, the available evidence is currently insufficient to determine the role of this variant in disease. Therefore, it has been classified as a Variant of Uncertain Significance. This variant has not been reported in the literature in individuals with CFAP410-related conditions. The frequency data for this variant in the population databases is considered unreliable, as metrics indicate insufficient coverage at this position in the ExAC database. This sequence change affects the initiator methionine of the CFAP410 mRNA. The next in-frame methionine is located at codon 7.